The following is an entry in ClinVar:

NM_000420.3(KEL):c.1680A>C (p.Pro560=)

Gene: KEL (Kell metallo-endopeptidase (Kell blood group); minus strand). Cytogenetic location: 7q34.
Variant type: single nucleotide variant.
Coding change: c.1680A>C on transcript NM_000420.3 (MANE Select); coding-DNA position 1680, A replaced by C.
Protein change: p.Pro560=; no amino-acid change (proline 560 retained).
Molecular consequence: synonymous variant.
Genome position (GRCh38, 1-based): chr7:142,943,509, T>G on the plus strand (A>C on the coding strand, the complement: KEL is on the minus strand). VCF-style: chr7-142943509-T-G. GRCh37 (hg19) VCF-style: chr7-142640596-T-G.
Identifiers: ClinVar variation 3038127 (VCV003038127.2), dbSNP rs8176036, ClinGen allele CA4534141.

ClinVar aggregate classification (germline): Benign (0 of 4 stars; one submission).

Conditions:
KEL-related disorder. Also called: KEL-related condition.

Allele frequency attached by ClinVar (database versions not stated): ExAC 0.05281; 1000 Genomes Project 0.07768; 1000 Genomes Project 30x 0.08104; gnomAD 0.08870; TOPMed 0.09174; ESP Exome Variant Server 0.09965.
gnomAD v4.1: 88,943 of 1,613,774 alleles (5.5%); highest among the groups gnomAD compares: African/African-American, 19%; 3,365 homozygotes.

Submission:

PreventionGenetics, part of Exact Sciences
Classification: Benign for KEL-related condition. Last evaluated: 2019-11-25. Review status: no assertion criteria provided. Collection method: clinical testing. Allele origin: germline.
Comment: This variant is classified as benign based on ACMG/AMP sequence variant interpretation guidelines (Richards et al. 2015 PMID: 25741868, with internal and published modifications).